The following is an entry in ClinVar:

NM_001080449.3(DNA2):c.2788-156T>A

Gene: DNA2 (DNA replication helicase/nuclease 2; minus strand). Cytogenetic location: 10q21.3.
Variant type: single nucleotide variant.
Coding change: c.2788-156T>A on transcript NM_001080449.3 (MANE Select); 156 bases into the intron before coding-DNA position 2788, T replaced by A.
Molecular consequence: intron variant.
Genome position (GRCh38, 1-based): chr10:68,419,369, A>T on the plus strand (T>A on the coding strand, the complement: DNA2 is on the minus strand). VCF-style: chr10-68419369-A-T. GRCh37 (hg19) VCF-style: chr10-70179126-A-T.
Identifiers: ClinVar variation 673125 (VCV000673125.2), dbSNP rs10998150, ClinGen allele CA208192009.

ClinVar aggregate classification (germline): Benign. Review status: criteria provided, multiple submitters, no conflicts (2 of 4 stars). 2 submissions from 2 submitters: Benign (2). Last evaluated 2018-06-14.

Allele frequency attached by ClinVar (database versions not stated): gnomAD exomes 0.04457; 1000 Genomes Project 0.05611; 1000 Genomes Project 30x 0.05903; gnomAD 0.07265 and 0.07671; TOPMed 0.07780.
gnomAD v4.1: 31,501 of 611,638 alleles (5.2%); highest among the groups gnomAD compares: African/African-American, 15%; 1,207 homozygotes.

Submissions (2):

GeneDx
Classification: Benign. Last evaluated: 2018-06-14. Review status: criteria provided, single submitter. Criteria: GeneDx Variant Classification (06012015). Collection method: clinical testing. Allele origin: germline. Affected: yes.
Comment: This variant is considered likely benign or benign based on one or more of the following criteria: it is a conservative change, it occurs at a poorly conserved position in the protein, it is predicted to be benign by multiple in silico algorithms, and/or has population frequency not consistent with disease.

Breakthrough Genomics
Classification: Benign. Review status: criteria provided, single submitter. Criteria: ACMG Guidelines, 2015. Collection method: not provided. Allele origin: germline. Inheritance: Autosomal recessive inheritance. Affected: yes.